The following is an entry in ClinVar:

NM_001278.5(CHUK):c.1025A>G (p.Glu342Gly)

Gene: CHUK (component of inhibitor of nuclear factor kappa B kinase complex; minus strand). Cytogenetic location: 10q24.31.
Variant type: single nucleotide variant.
Coding change: c.1025A>G on transcript NM_001278.5 (MANE Select); coding-DNA position 1025, A replaced by G.
Protein change: p.Glu342Gly; replaces glutamic acid 342 with glycine.
Molecular consequence: missense variant.
Genome position (GRCh38, 1-based): chr10:100,209,698, T>C on the plus strand (A>G on the coding strand, the complement: CHUK is on the minus strand). VCF-style: chr10-100209698-T-C. GRCh37 (hg19) VCF-style: chr10-101969455-T-C.
Other names: c.1025A>G, p.Glu342Gly (NM_001320928.2); short protein forms E342G.
Identifiers: ClinVar variation 2005390 (VCV002005390.4), dbSNP rs2493061060, ClinGen allele CA378153200.

ClinVar aggregate classification (germline): Uncertain significance (1 of 4 stars; one submission).

Submission:

Labcorp Genetics (formerly Invitae), Labcorp
Classification: Uncertain significance. Last evaluated: 2022-06-13. Review status: criteria provided, single submitter. Criteria: Invitae Variant Classification Sherloc (09022015). Collection method: clinical testing. Allele origin: germline.
Comment: In summary, the available evidence is currently insufficient to determine the role of this variant in disease. Therefore, it has been classified as a Variant of Uncertain Significance. Algorithms developed to predict the effect of missense changes on protein structure and function are either unavailable or do not agree on the potential impact of this missense change (SIFT: "Not Available"; PolyPhen-2: "Probably Damaging"; Align-GVGD: "Not Available"). This variant has not been reported in the literature in individuals affected with CHUK-related conditions. This variant is not present in population databases (gnomAD no frequency). This sequence change replaces glutamic acid, which is acidic and polar, with glycine, which is neutral and non-polar, at codon 342 of the CHUK protein (p.Glu342Gly).